The following is an entry in ClinVar:

ClinVar aggregate classification (germline): Uncertain significance. Review status: criteria provided, multiple submitters, no conflicts (2 of 4 stars). 2 submissions from 2 submitters: Uncertain significance (2). Last evaluated 2023-06-22.

Allele frequency attached by ClinVar (database versions not stated): TOPMed 0.00003; ESP Exome Variant Server 0.00008; 1000 Genomes Project 30x 0.00031.
gnomAD v4.1: 26 of 1,611,942 alleles (0.0016%); highest among the groups gnomAD compares: Admixed American, 0.015%; no homozygotes.

Submissions (2):

Labcorp Genetics (formerly Invitae), Labcorp
Classification: Uncertain significance. Last evaluated: 2023-06-22. Review status: criteria provided, single submitter. Criteria: Invitae Variant Classification Sherloc (09022015). Collection method: clinical testing. Allele origin: germline.
Comment: In summary, the available evidence is currently insufficient to determine the role of this variant in disease. Therefore, it has been classified as a Variant of Uncertain Significance. An algorithm developed to predict the effect of missense changes on protein structure and function (PolyPhen-2) suggests that this variant is likely to be disruptive. This variant has not been reported in the literature in individuals affected with HR-related conditions. This variant is present in population databases (rs376088952, gnomAD 0.004%). This sequence change replaces arginine, which is basic and polar, with glutamine, which is neutral and polar, at codon 687 of the HR protein (p.Arg687Gln).

Breakthrough Genomics
Classification: Uncertain significance. Review status: criteria provided, single submitter. Criteria: ACMG Guidelines, 2015. Collection method: not provided. Allele origin: germline. Inheritance: Autosomal recessive inheritance. Affected: yes.

NM_005144.5(HR):c.2060G>A (p.Arg687Gln)

Gene: HR (HR lysine demethylase and nuclear receptor corepressor; minus strand). Cytogenetic location: 8p21.3.
Variant type: single nucleotide variant.
Coding change: c.2060G>A on transcript NM_005144.5 (MANE Select); coding-DNA position 2060, G replaced by A.
Protein change: p.Arg687Gln; replaces arginine 687 with glutamine.
Molecular consequence: missense variant.
Genome position (GRCh38, 1-based): chr8:22,122,554, C>T on the plus strand (G>A on the coding strand, the complement: HR is on the minus strand). VCF-style: chr8-22122554-C-T. GRCh37 (hg19) VCF-style: chr8-21980067-C-T.
Other names: c.2060G>A, p.Arg687Gln (NM_018411.4); short protein forms R687Q.
Identifiers: ClinVar variation 2744186 (VCV002744186.4), dbSNP rs376088952, ClinGen allele CA4662263.